The following is an entry in ClinVar:

ClinVar aggregate classification (germline): Pathogenic. Review status: criteria provided, multiple submitters, no conflicts (2 of 4 stars). 2 submissions from 2 submitters: Pathogenic (2). Last evaluated 2024-09-19.

Conditions:
Familial adenomatous polyposis 1 (FAP1). Also called: FAMILIAL ADENOMATOUS POLYPOSIS 1, ATTENUATED; POLYPOSIS, ADENOMATOUS INTESTINAL. Identifiers: MedGen C2713442, MONDO:0021056, OMIM 175100. Disease mechanism: loss of function.

Submissions (2):

Labcorp Genetics (formerly Invitae), Labcorp
Classification: Pathogenic for Familial adenomatous polyposis 1. Last evaluated: 2024-09-19. Review status: criteria provided, single submitter. Criteria: Invitae Variant Classification Sherloc (09022015). Collection method: clinical testing. Allele origin: germline.
Comment: This sequence change creates a premature translational stop signal (p.Arg401Valfs*52) in the APC gene. It is expected to result in an absent or disrupted protein product. Loss-of-function variants in APC are known to be pathogenic (PMID: 17963004, 20685668). This variant is not present in population databases (gnomAD no frequency). This variant has not been reported in the literature in individuals affected with APC-related conditions. For these reasons, this variant has been classified as Pathogenic.

Myriad Genetics, Inc.
Classification: Pathogenic for Familial adenomatous polyposis 1. Last evaluated: 2023-04-28. Review status: criteria provided, single submitter. Criteria: Myriad Autosomal Dominant, Autosomal Recessive and X-Linked Classification Criteria (2023). Collection method: clinical testing. Allele origin: unknown.
Comment: This variant is considered pathogenic. This variant creates a frameshift predicted to result in premature protein truncation.

Literature cited by the submitters: PubMed 17963004 (cited by Labcorp Genetics (formerly Invitae), Labcorp); PubMed 20685668 (cited by Labcorp Genetics (formerly Invitae), Labcorp).

NM_000038.6(APC):c.1201_1204del (p.Arg401fs)

Gene: APC (APC regulator of Wnt signaling pathway; plus strand). Cytogenetic location: 5q22.2.
Variant type: Microsatellite.
Coding change: c.1201_1204del on transcript NM_000038.6 (MANE Select); coding-DNA positions 1201 to 1204, 4 bases deleted (AGGC; older notation c.1201_1204delAGGC).
Protein change: p.Arg401fs; shifts the reading frame from arginine 401.
Molecular consequence: frameshift variant. On other transcripts: non-coding transcript variant (2), intron variant (15).
Genome position (GRCh38, 1-based): chr5:112,819,233-112,819,236, AGGC deleted; deleting any 4 consecutive bases within chr5:112,819,229-112,819,236 gives the same sequence; the c. name uses the placement nearest the transcript's 3' end. VCF-style (leftmost placement, unchanged base first): chr5-112819228-GAGGC-G. GRCh37 (hg19) VCF-style: chr5-112154925-GAGGC-G.
Other names: c.1201_1204del, p.Arg401fs (NM_001127510.3, NM_001354895.2, NM_001354896.2 and 4 more transcripts); c.1147_1150del, p.Arg383fs (NM_001127511.3); c.1231_1234del, p.Arg411fs (NM_001354897.2, NM_001407446.1); c.1126_1129del, p.Arg376fs (NM_001354898.2, NM_001407451.1); c.1117_1120del, p.Arg373fs (NM_001354899.2, NM_001407452.1); c.1024_1027del, p.Arg342fs (NM_001354900.2, NM_001354901.2, NM_001407453.1); c.352_355del, p.Arg118fs (NM_001354906.2, NM_001407470.1); c.85-36_85-33del (NM_001407472.1, NM_001407471.1); and 5 more; short protein forms R118fs, R342fs, R373fs, R376fs, R383fs, R401fs, R411fs.
Identifiers: ClinVar variation 2583995 (VCV002583995.4), dbSNP rs2533052419, ClinGen allele CA2582341259.